The following is an entry in ClinVar:

ClinVar aggregate classification (germline): Uncertain significance (1 of 4 stars; one submission).

Submission:

Labcorp Genetics (formerly Invitae), Labcorp
Classification: Uncertain significance. Last evaluated: 2023-12-13. Review status: criteria provided, single submitter. Criteria: Invitae Variant Classification Sherloc (09022015). Collection method: clinical testing. Allele origin: germline.
Comment: This sequence change replaces serine, which is neutral and polar, with glycine, which is neutral and non-polar, at codon 632 of the MICAL1 protein (p.Ser632Gly). This variant is not present in population databases (gnomAD no frequency). This variant has not been reported in the literature in individuals affected with MICAL1-related conditions. An algorithm developed to predict the effect of missense changes on protein structure and function (PolyPhen-2) suggests that this variant is likely to be tolerated. In summary, the available evidence is currently insufficient to determine the role of this variant in disease. Therefore, it has been classified as a Variant of Uncertain Significance.

NM_022765.4(MICAL1):c.1837A>G (p.Ser613Gly)

Gene: MICAL1 (microtubule associated monooxygenase, calponin and LIM domain containing 1; minus strand). Cytogenetic location: 6q21.
Variant type: single nucleotide variant.
Coding change: c.1837A>G on transcript NM_022765.4 (MANE Select); coding-DNA position 1837, A replaced by G.
Protein change: p.Ser613Gly; replaces serine 613 with glycine.
Molecular consequence: missense variant.
Genome position (GRCh38, 1-based): chr6:109,448,221, T>C on the plus strand (A>G on the coding strand, the complement: MICAL1 is on the minus strand). VCF-style: chr6-109448221-T-C. GRCh37 (hg19) VCF-style: chr6-109769424-T-C.
Other names: c.1579A>G, p.Ser527Gly (NM_001159291.2); c.1894A>G, p.Ser632Gly (NM_001286613.2); short protein forms S527G, S613G, S632G.
Identifiers: ClinVar variation 3007545 (VCV003007545.3), dbSNP rs2482787182, ClinGen allele CA365227051.